The following is an entry in ClinVar:

ClinVar aggregate classification (germline): Pathogenic. Review status: criteria provided, multiple submitters, no conflicts (2 of 4 stars). 2 submissions from 2 submitters: Pathogenic (2). Last evaluated 2026-09-21.

Conditions:
Fetal anomalies with a likely genetic cause.

Submissions (2):

Genetics Laboratory, Great Ormond Street Hospital NHS Foundation Trust, North Thames Genomic Laboratory Hub
Classification: Pathogenic for Fetal anomalies with a likely genetic cause. Last evaluated: 2026-09-21. Review status: criteria provided, single submitter. Criteria: ACGS Best Practice Guidelines for Variant Classification in Rare Disease 2024 v1.2. Collection method: clinical testing. Allele origin: germline. Affected: yes.
Comment: PM2_moderate, PVS1_very-strong, PM3_moderate

GeneDx
Classification: Pathogenic. Last evaluated: 2026-04-22. Review status: criteria provided, single submitter. Criteria: GeneDx Variant Classification Process June 2021. Collection method: clinical testing. Allele origin: germline.
Comment: Frameshift variant predicted to result in protein truncation or nonsense mediated decay in a gene for which loss of function is a known mechanism of disease; This variant is associated with the following publications: (PMID: 19877176)

NM_015311.3(OBSL1):c.2441_2442del (p.His814fs)

Gene: OBSL1 (obscurin like cytoskeletal adaptor 1; minus strand). Cytogenetic location: 2q35.
Variant type: Deletion.
Coding change: c.2441_2442del on transcript NM_015311.3 (MANE Select); coding-DNA positions 2441 to 2442, 2 bases deleted (AT; older notation c.2441_2442delAT).
Protein change: p.His814fs; shifts the reading frame from histidine 814.
Molecular consequence: frameshift variant.
Genome position (GRCh38, 1-based): chr2:219,563,593-219,563,594, AT deleted on the plus strand (AT on the coding strand, the reverse complement: OBSL1 is on the minus strand). VCF-style (leftmost placement, unchanged base first): chr2-219563592-CAT-C. GRCh37 (hg19) VCF-style: chr2-220428314-CAT-C.
Other names: c.2441_2442del, p.His814fs (NM_001173408.2, NM_001173431.2); short protein forms H814fs.
Identifiers: ClinVar variation 5037672 (VCV005037672.2).